The following is an entry in ClinVar:

ClinVar aggregate classification (germline): Uncertain significance. Review status: criteria provided, multiple submitters, no conflicts (2 of 4 stars). 2 submissions from 2 submitters: Uncertain significance (2). Last evaluated 2023-09-24.

Conditions:
Cardiovascular phenotype. Identifiers: MedGen CN230736.
Myofibrillar myopathy 5. Also called: Filaminopathy (type); FILAMINOPATHY, AUTOSOMAL DOMINANT. Identifiers: Orphanet 171445, MedGen C1836050, MONDO:0012289, OMIM 609524.
Hypertrophic cardiomyopathy. Also called: HYPERTROPHIC MYOCARDIOPATHY. Identifiers: Orphanet 217569, MedGen C0007194, MeSH D002312, MONDO:0005045, HP:0001639.
Distal myopathy with posterior leg and anterior hand involvement. Also called: WILLIAMS DISTAL MYOPATHY. Identifiers: Orphanet 63273, MedGen C3279722, MONDO:0013550, OMIM 614065.
Hypertrophic cardiomyopathy 26. Also called: Cardiomyopathy, familial hypertrophic, 26. Identifiers: Orphanet 75249, MedGen C4310749, MONDO:0014883, OMIM 617047.

Submissions (2):

Ambry Genetics
Classification: Uncertain significance for Cardiovascular phenotype. Last evaluated: 2023-09-24. Review status: criteria provided, single submitter. Criteria: Ambry Variant Classification Scheme 2023. Collection method: clinical testing. Allele origin: germline.
Comment: The p.T1148I variant (also known as c.3443C>T), located in coding exon 21 of the FLNC gene, results from a C to T substitution at nucleotide position 3443. The threonine at codon 1148 is replaced by isoleucine, an amino acid with similar properties. This amino acid position is conserved. In addition, this alteration is predicted to be tolerated by in silico analysis. Since supporting evidence is limited at this time, the clinical significance of this alteration remains unclear.

Labcorp Genetics (formerly Invitae), Labcorp
Classification: Uncertain significance for Distal myopathy with posterior leg and anterior hand involvement; Myofibrillar myopathy 5; Hypertrophic cardiomyopathy 26. Last evaluated: 2021-09-19. Review status: criteria provided, single submitter. Criteria: Invitae Variant Classification Sherloc (09022015). Collection method: clinical testing. Allele origin: germline.
Comment: In summary, the available evidence is currently insufficient to determine the role of this variant in disease. Therefore, it has been classified as a Variant of Uncertain Significance. Algorithms developed to predict the effect of missense changes on protein structure and function (SIFT, PolyPhen-2, Align-GVGD) all suggest that this variant is likely to be tolerated. This variant has not been reported in the literature in individuals affected with FLNC-related conditions. This variant is not present in population databases (ExAC no frequency). This sequence change replaces threonine with isoleucine at codon 1148 of the FLNC protein (p.Thr1148Ile). The threonine residue is weakly conserved and there is a moderate physicochemical difference between threonine and isoleucine.

NM_001458.5(FLNC):c.3443C>T (p.Thr1148Ile)

Gene: FLNC (filamin C; plus strand). Cytogenetic location: 7q32.1.
Variant type: single nucleotide variant.
Coding change: c.3443C>T on transcript NM_001458.5 (MANE Select); coding-DNA position 3443, C replaced by T.
Protein change: p.Thr1148Ile; replaces threonine 1148 with isoleucine.
Molecular consequence: missense variant.
Genome position (GRCh38, 1-based): chr7:128,844,908, C>T. VCF-style: chr7-128844908-C-T. GRCh37 (hg19) VCF-style: chr7-128484962-C-T.
Other names: c.3443C>T, p.Thr1148Ile (NM_001127487.2); c.3443C>T (NM_001458.4); short protein forms T1148I.
Identifiers: ClinVar variation 1062240 (VCV001062240.9), dbSNP rs2128936430, ClinGen allele CA369196917.
Genomic context (GRCh38, chr7:128,844,908, plus strand): 5'-AGTACACCATCAACATCCTGTTTGCTGAGGCCCACATCCCTGGCTCGCCCTTCAAAGCCA[C>T]CATTCGGCCTGTGTTTGACCCGAGCAAGGTGCGGGCCAGTGGACCGGGCCTGGAGCGCGG-3'
Protein context (NP_001449.3, residues 1138-1158): AHIPGSPFKA[Thr1148Ile]IRPVFDPSKV